The following is an entry in ClinVar:

ClinVar aggregate classification (germline): Uncertain significance. Review status: criteria provided, multiple submitters, no conflicts (2 of 4 stars). 7 submissions from 7 submitters: Uncertain significance (7). Last evaluated 2025-09-26.

Conditions:
BARD1-related cancer predisposition. Identifiers: MedGen CN377756, MONDO:0700267.
BARD1-related disorder. Also called: BARD1-related condition.
Hereditary cancer-predisposing syndrome. Also called: Neoplastic Syndromes, Hereditary; Tumor predisposition; Hereditary Cancer Syndrome; Hereditary neoplastic syndrome. Identifiers: Orphanet 140162, MedGen C0027672, MeSH D009386, MONDO:0015356.
Familial cancer of breast. Also called: hereditary breast carcinoma; BREAST CANCER, FAMILIAL; Hereditary breast cancer. Identifiers: Orphanet 227535, MedGen C0346153, MONDO:0016419, OMIM 114480. Disease mechanism: loss of function.

Allele frequency attached by ClinVar (database versions not stated): gnomAD 0.00001; TOPMed 0.00001; gnomAD exomes 0.00002.
gnomAD v4.1: 26 of 1,613,822 alleles (0.0016%); highest among the groups gnomAD compares: Non-Finnish European, 0.0022%; no homozygotes.

Submissions (7):

Ambry Genetics
Classification: Uncertain significance for Hereditary cancer-predisposing syndrome. Last evaluated: 2025-09-26. Review status: criteria provided, single submitter. Criteria: Ambry Variant Classification Scheme 2023. Collection method: clinical testing. Allele origin: germline.

PreventionGenetics, part of Exact Sciences
Classification: Uncertain significance for BARD1-related condition. Last evaluated: 2025-09-21. Review status: criteria provided, single submitter. Criteria: ACMG Guidelines, 2015. Collection method: clinical testing. Allele origin: germline.
Comment: The BARD1 c.1265T>C variant is predicted to result in the amino acid substitution p.Val422Ala. This variant has been reported in an individual with ovarian cancer (Ramus et al. 2015. PubMed ID: 26315354). This variant is reported in 0.0035% of alleles in individuals of European (Non-Finnish) descent in gnomAD and is classified as uncertain in ClinVar (Variation ID: 231816). At this time, the clinical significance of this variant is uncertain due to the absence of conclusive functional and genetic evidence.

Labcorp Genetics (formerly Invitae), Labcorp
Classification: Uncertain significance for Familial cancer of breast. Last evaluated: 2025-05-14. Review status: criteria provided, single submitter. Criteria: Invitae Variant Classification Sherloc (09022015). Collection method: clinical testing. Allele origin: germline.
Comment: This sequence change replaces valine, which is neutral and non-polar, with alanine, which is neutral and non-polar, at codon 422 of the BARD1 protein (p.Val422Ala). This variant is present in population databases (rs76824305, gnomAD 0.004%). This missense change has been observed in individual(s) with ovarian cancer (PMID: 26315354). ClinVar contains an entry for this variant (Variation ID: 231816). An algorithm developed to predict the effect of missense changes on protein structure and function (PolyPhen-2) suggests that this variant is likely to be tolerated. In summary, the available evidence is currently insufficient to determine the role of this variant in disease. Therefore, it has been classified as a Variant of Uncertain Significance.

Molecular Pathology, Peter Maccallum Cancer Centre
Classification: Uncertain significance for BARD1-related cancer predisposition. Last evaluated: 2025-04-22. Review status: criteria provided, single submitter. Criteria: ACMG Guidelines, 2015. Collection method: clinical testing. Allele origin: germline. Inheritance: Autosomal dominant inheritance.

Color Diagnostics, LLC DBA Color Health
Classification: Uncertain significance for Hereditary cancer-predisposing syndrome. Last evaluated: 2024-12-11. Review status: criteria provided, single submitter. Criteria: ACMG Guidelines, 2015. Collection method: clinical testing. Allele origin: germline.
Comment: This missense variant replaces valine with alanine at codon 422 of the BARD1 protein. Computational prediction tool suggests that this variant may not impact protein structure and function. To our knowledge, functional studies have not been performed for this variant. In a breast cancer case-control study, this variant was identified in 2/60464 cases and 3/53458 controls (PMID: 33471991). This variant has been identified in 4/250634 chromosomes in the general population by the Genome Aggregation Database (gnomAD). The available evidence is insufficient to determine the role of this variant in disease conclusively. Therefore, this variant is classified as a Variant of Uncertain Significance.

GeneDx
Classification: Uncertain significance. Last evaluated: 2023-12-10. Review status: criteria provided, single submitter. Criteria: GeneDx Variant Classification Process June 2021. Collection method: clinical testing. Allele origin: germline. Affected: yes.
Comment: Not observed at significant frequency in large population cohorts (gnomAD); In silico analysis supports that this missense variant does not alter protein structure/function; Observed in an individual with epithelial ovarian cancer in published literature (PMID: 26315354); This variant is associated with the following publications: (PMID: 26315354)

Women's Health and Genetics/Laboratory Corporation of America, LabCorp
Classification: Uncertain significance. Last evaluated: 2022-10-26. Review status: criteria provided, single submitter. Criteria: LabCorp Variant Classification Summary - May 2015. Collection method: clinical testing. Allele origin: germline.
Comment: Variant summary: BARD1 c.1265T>C (p.Val422Ala) results in a non-conservative amino acid change in the encoded protein sequence. Four of five in-silico tools predict a benign effect of the variant on protein function. The variant allele was found at a frequency of 1.6e-05 in 250634 control chromosomes. The available data on variant occurrences in the general population are insufficient to allow any conclusion about variant significance. c.1265T>C has been reported in the literature in an individual affected with serous ovarian cancer (e.g. Ramus_2015). This report does not provide unequivocal conclusions about association of the variant with Hereditary Breast And Ovarian Cancer Syndrome. To our knowledge, no experimental evidence demonstrating an impact on protein function has been reported. Four clinical diagnostic laboratories have submitted clinical-significance assessments for this variant to ClinVar after 2014 and all classified the variant as uncertain significance. Based on the evidence outlined above, the variant was classified as uncertain significance.

Literature cited by the submitters: PubMed 26315354 (cited by Labcorp Genetics (formerly Invitae), Labcorp and Women's Health and Genetics/Laboratory Corporation of America, LabCorp); PubMed 33471991 (cited by Color Diagnostics, LLC DBA Color Health).

NM_000465.4(BARD1):c.1265T>C (p.Val422Ala)

Gene: BARD1 (BRCA1 associated RING domain 1; minus strand). Cytogenetic location: 2q35.
Variant type: single nucleotide variant.
Coding change: c.1265T>C on transcript NM_000465.4 (MANE Select); coding-DNA position 1265, T replaced by C.
Protein change: p.Val422Ala; replaces valine 422 with alanine.
Molecular consequence: missense variant. On other transcripts: non-coding transcript variant (2), intron variant (3).
Genome position (GRCh38, 1-based): chr2:214,780,609, A>G on the plus strand (T>C on the coding strand, the complement: BARD1 is on the minus strand). VCF-style: chr2-214780609-A-G. GRCh37 (hg19) VCF-style: chr2-215645333-A-G.
Other names: c.1208T>C, p.Val403Ala (NM_001282543.2); c.159-28054T>C (NM_001282548.2); c.215+16452T>C (NM_001282545.2); c.364+11688T>C (NM_001282549.2); short protein forms V422A, V403A.
Identifiers: ClinVar variation 231816 (VCV000231816.28), dbSNP rs76824305, ClinGen allele CA2090319.